The following is an entry in ClinVar:

ClinVar aggregate classification (germline): Uncertain significance. Review status: criteria provided, multiple submitters, no conflicts (2 of 4 stars). 4 submissions from 4 submitters: Uncertain significance (4). Last evaluated 2025-02-10.

Conditions:
Multiple endocrine neoplasia, type 1 (MEN1). Also called: MEN I; WERMER SYNDROME; Endocrine adenomatosis multiple; MEN 1; MEA I. Identifiers: Orphanet 652, MedGen C0025267, MeSH D018761, MONDO:0007540, OMIM 131100.
Hereditary cancer-predisposing syndrome. Also called: Tumor predisposition; Hereditary neoplastic syndrome; Neoplastic Syndromes, Hereditary; Hereditary Cancer Syndrome. Identifiers: Orphanet 140162, MedGen C0027672, MeSH D009386, MONDO:0015356.

Allele frequency attached by ClinVar (database versions not stated): gnomAD exomes below 0.00001; TOPMed below 0.00001.
gnomAD v4.1: 3 of 1,612,420 alleles (0.00019%); highest among the groups gnomAD compares: Non-Finnish European, 0.00025%; no homozygotes.

Submissions (4):

Ambry Genetics
Classification: Uncertain significance for Hereditary cancer-predisposing syndrome. Last evaluated: 2025-02-10. Review status: criteria provided, single submitter. Criteria: Ambry Variant Classification Scheme 2023. Collection method: clinical testing. Allele origin: germline.
Comment: The p.K304E variant (also known as c.910A>G), located in coding exon 5 of the MEN1 gene, results from an A to G substitution at nucleotide position 910. The lysine at codon 304 is replaced by glutamic acid, an amino acid with similar properties. This amino acid position is highly conserved in available vertebrate species. In addition, the in silico prediction for this alteration is inconclusive. Based on the available evidence, the clinical significance of this variant remains unclear.

Labcorp Genetics (formerly Invitae), Labcorp
Classification: Uncertain significance for Multiple endocrine neoplasia, type 1. Last evaluated: 2024-04-04. Review status: criteria provided, single submitter. Criteria: Invitae Variant Classification Sherloc (09022015). Collection method: clinical testing. Allele origin: germline.
Comment: This sequence change replaces lysine, which is basic and polar, with glutamic acid, which is acidic and polar, at codon 304 of the MEN1 protein (p.Lys304Glu). This variant is not present in population databases (gnomAD no frequency). This variant has not been reported in the literature in individuals affected with MEN1-related conditions. ClinVar contains an entry for this variant (Variation ID: 938767). An algorithm developed to predict the effect of missense changes on protein structure and function (PolyPhen-2) suggests that this variant is likely to be tolerated. In summary, the available evidence is currently insufficient to determine the role of this variant in disease. Therefore, it has been classified as a Variant of Uncertain Significance.

All of Us Research Program, National Institutes of Health
Classification: Uncertain significance for Multiple endocrine neoplasia, type 1. Last evaluated: 2023-09-09. Review status: criteria provided, single submitter. Criteria: ACMG Guidelines, 2015. Collection method: clinical testing. Allele origin: germline. Inheritance: Autosomal dominant inheritance. Observed: 1 variant allele, 1 heterozygote.
Comment: This study involves interpretation of variants in research participants for the purpose of population health screening. Participant phenotype was not available at the time of variant classification. Additional details can be found in publication PMID: 35346344, PMCID: PMC8962531

GeneDx
Classification: Uncertain significance. Last evaluated: 2023-03-28. Review status: criteria provided, single submitter. Criteria: GeneDx Variant Classification Process June 2021. Collection method: clinical testing. Allele origin: germline. Affected: yes.
Comment: Not observed at significant frequency in large population cohorts (gnomAD); In silico analysis supports that this missense variant does not alter protein structure/function; Has not been previously published as pathogenic or benign to our knowledge; This variant is associated with the following publications: (PMID: 12874027, 12509449, 11274402)

NM_001370259.2(MEN1):c.910A>G (p.Lys304Glu)

Gene: MEN1 (menin 1; minus strand). Cytogenetic location: 11q13.1.
Variant type: single nucleotide variant.
Coding change: c.910A>G on transcript NM_001370259.2 (MANE Select); coding-DNA position 910, A replaced by G.
Protein change: p.Lys304Glu; replaces lysine 304 with glutamic acid.
Molecular consequence: missense variant.
Genome position (GRCh38, 1-based): chr11:64,807,013, T>C on the plus strand (A>G on the coding strand, the complement: MEN1 is on the minus strand). VCF-style: chr11-64807013-T-C. GRCh37 (hg19) VCF-style: chr11-64574485-T-C.
Other names: c.925A>G, p.Lys309Glu (NM_000244.4, NM_130800.3, NM_130801.3 and 3 more transcripts); c.910A>G, p.Lys304Glu (NM_001370251.2, NM_001370260.2, NM_001370261.2 and 1 more transcripts); c.805A>G, p.Lys269Glu (NM_001370262.2, NM_001370263.2); short protein forms K309E, K269E, K304E.
Identifiers: ClinVar variation 938767 (VCV000938767.14), dbSNP rs1941774610, ClinGen allele CA381183481.